The following is an entry in ClinVar:

ClinVar aggregate classification (germline): Uncertain significance (1 of 4 stars; one submission).

Submission:

Labcorp Genetics (formerly Invitae), Labcorp
Classification: Uncertain significance. Last evaluated: 2024-09-30. Review status: criteria provided, single submitter. Criteria: Invitae Variant Classification Sherloc (09022015). Collection method: clinical testing. Allele origin: germline.
Comment: This sequence change replaces lysine, which is basic and polar, with arginine, which is basic and polar, at codon 194 of the C1S protein (p.Lys194Arg). This variant is not present in population databases (gnomAD no frequency). This variant has not been reported in the literature in individuals affected with C1S-related conditions. Invitae Evidence Modeling of protein sequence and biophysical properties (such as structural, functional, and spatial information, amino acid conservation, physicochemical variation, residue mobility, and thermodynamic stability) indicates that this missense variant is not expected to disrupt C1S protein function with a negative predictive value of 80%. In summary, the available evidence is currently insufficient to determine the role of this variant in disease. Therefore, it has been classified as a Variant of Uncertain Significance.

NM_001734.5(C1S):c.581A>G (p.Lys194Arg)

Gene: C1S (complement C1s; plus strand). Cytogenetic location: 12p13.31.
Variant type: single nucleotide variant.
Coding change: c.581A>G on transcript NM_001734.5 (MANE Select); coding-DNA position 581, A replaced by G.
Protein change: p.Lys194Arg; replaces lysine 194 with arginine.
Molecular consequence: missense variant.
Genome position (GRCh38, 1-based): chr12:7,065,163, A>G. VCF-style: chr12-7065163-A-G. GRCh37 (hg19) VCF-style: chr12-7172467-A-G.
Other names: c.581A>G, p.Lys194Arg (NM_201442.4); c.80A>G, p.Lys27Arg (NM_001346850.2); short protein forms K194R, K27R.
Identifiers: ClinVar variation 3664503 (VCV003664503.2).
Genomic context (GRCh38, chr12:7,065,163, plus strand): 5'-ATTGCAGTGGGGATGTATTCACTGCACTGATTGGGGAGATTGCAAGTCCCAATTATCCCA[A>G]ACCATATCCAGAGAACTCAAGGTGTGAATACCAGATCCGGTTGGAGAAAGGGTTCCAAGT-3'
Protein context (NP_001725.1, residues 184-204): IGEIASPNYP[Lys194Arg]PYPENSRCEY